The following is an entry in ClinVar:

ClinVar aggregate classification (germline): Uncertain significance (1 of 4 stars; one submission).

Conditions:
Hereditary cancer-predisposing syndrome. Also called: Neoplastic Syndromes, Hereditary; Tumor predisposition; Hereditary Cancer Syndrome; Hereditary neoplastic syndrome. Identifiers: Orphanet 140162, MedGen C0027672, MeSH D009386, MONDO:0015356.

Submission:

Ambry Genetics
Classification: Uncertain significance for Hereditary cancer-predisposing syndrome. Last evaluated: 2026-02-13. Review status: criteria provided, single submitter. Criteria: Ambry Variant Classification Scheme 2023. Collection method: clinical testing. Allele origin: germline.
Comment: The p.T666I variant (also known as c.1997C>T), located in coding exon 14 of the KIT gene, results from a C to T substitution at nucleotide position 1997. The threonine at codon 666 is replaced by isoleucine, an amino acid with similar properties. This amino acid position is well conserved in available vertebrate species. In addition, the in silico prediction for this alteration is inconclusive. Based on the available evidence, the clinical significance of this variant remains unclear.

NM_000222.3(KIT):c.1997C>T (p.Thr666Ile)

Gene: KIT (KIT proto-oncogene, receptor tyrosine kinase; plus strand). Cytogenetic location: 4q12.
Variant type: single nucleotide variant.
Coding change: c.1997C>T on transcript NM_000222.3 (MANE Select); coding-DNA position 1997, C replaced by T.
Protein change: p.Thr666Ile; replaces threonine 666 with isoleucine.
Molecular consequence: missense variant.
Genome position (GRCh38, 1-based): chr4:54,729,341, C>T. VCF-style: chr4-54729341-C-T. GRCh37 (hg19) VCF-style: chr4-55595507-C-T.
Other names: c.1985C>T, p.Thr662Ile (NM_001093772.2, NM_001385286.1); c.2000C>T, p.Thr667Ile (NM_001385284.1, NM_001385290.1); c.1997C>T, p.Thr666Ile (NM_001385285.1); c.1988C>T, p.Thr663Ile (NM_001385288.1, NM_001385292.1); short protein forms T662I, T666I, T663I, T667I.
Identifiers: ClinVar variation 4825609 (VCV004825609.1).